The following is an entry in ClinVar:

ClinVar aggregate classification (germline): Uncertain significance (1 of 4 stars; one submission).

Conditions:
Capillary malformation-arteriovenous malformation syndrome. Also called: Capillary malformation-arteriovenous malformation. Identifiers: Orphanet 137667, MedGen C1842180, MONDO:0012016.

Submission:

Labcorp Genetics (formerly Invitae), Labcorp
Classification: Uncertain significance for Capillary malformation-arteriovenous malformation syndrome. Last evaluated: 2024-12-23. Review status: criteria provided, single submitter. Criteria: Invitae Variant Classification Sherloc (09022015). Collection method: clinical testing. Allele origin: germline.
Comment: This sequence change replaces methionine, which is neutral and non-polar, with threonine, which is neutral and polar, at codon 969 of the RASA1 protein (p.Met969Thr). This variant is not present in population databases (gnomAD no frequency). This variant has not been reported in the literature in individuals affected with RASA1-related conditions. An algorithm developed to predict the effect of missense changes on protein structure and function (PolyPhen-2) suggests that this variant is likely to be tolerated. In summary, the available evidence is currently insufficient to determine the role of this variant in disease. Therefore, it has been classified as a Variant of Uncertain Significance.

NM_002890.3(RASA1):c.2906T>C (p.Met969Thr)

Genes: CCNH (cyclin H; minus strand), RASA1 (RAS p21 protein activator 1; plus strand). Cytogenetic location: 5q14.3.
Variant type: single nucleotide variant.
Coding change: c.2906T>C on transcript NM_002890.3 (MANE Select); coding-DNA position 2906, T replaced by C.
Protein change: p.Met969Thr; replaces methionine 969 with threonine.
Molecular consequence: missense variant. On other transcripts: intron variant (1).
Genome position (GRCh38, 1-based): chr5:87,386,884, T>C. VCF-style: chr5-87386884-T-C. GRCh37 (hg19) VCF-style: chr5-86682701-T-C.
Other names: c.2375T>C, p.Met792Thr (NM_022650.3); c.933+8160A>G (NM_001364075.2); short protein forms M792T, M969T.
Identifiers: ClinVar variation 3608322 (VCV003608322.2).